The following is an entry in ClinVar:

NM_000264.5(PTCH1):c.2725G>A (p.Asp909Asn)

Gene: PTCH1 (patched 1; minus strand). Cytogenetic location: 9q22.32.
Variant type: single nucleotide variant.
Coding change: c.2725G>A on transcript NM_000264.5 (MANE Select); coding-DNA position 2725, G replaced by A.
Protein change: p.Asp909Asn; replaces aspartic acid 909 with asparagine.
Molecular consequence: missense variant. On other transcripts: non-coding transcript variant (1).
Genome position (GRCh38, 1-based): chr9:95,459,762, C>T on the plus strand (G>A on the coding strand, the complement: PTCH1 is on the minus strand). VCF-style: chr9-95459762-C-T. GRCh37 (hg19) VCF-style: chr9-98222044-C-T.
Other names: c.2527G>A, p.Asp843Asn (NM_001083602.3); c.2722G>A, p.Asp908Asn (NM_001083603.3); c.2272G>A, p.Asp758Asn (NM_001083604.3, NM_001083605.3, NM_001083606.3 and 1 more transcripts); c.2569G>A, p.Asp857Asn (NM_001354918.2); short protein forms D758N, D857N, D909N, D843N, D908N.
Identifiers: ClinVar variation 954164 (VCV000954164.10), dbSNP rs1588545054, ClinGen allele CA374113220.

ClinVar aggregate classification (germline): Uncertain significance (1 of 4 stars; one submission).

Conditions:
Gorlin syndrome. Also called: Basal cell nevus syndrome; Nevoid Basal Cell Carcinoma Syndrome. Identifiers: Orphanet 377, MedGen C0004779, MONDO:0007187.

Submission:

Labcorp Genetics (formerly Invitae), Labcorp
Classification: Uncertain significance for Gorlin syndrome. Last evaluated: 2019-07-04. Review status: criteria provided, single submitter. Criteria: Invitae Variant Classification Sherloc (09022015). Collection method: clinical testing. Allele origin: germline.
Comment: Algorithms developed to predict the effect of missense changes on protein structure and function (SIFT, PolyPhen-2, Align-GVGD) all suggest that this variant is likely to be tolerated, but these predictions have not been confirmed by published functional studies and their clinical significance is uncertain. In summary, the available evidence is currently insufficient to determine the role of this variant in disease. Therefore, it has been classified as a Variant of Uncertain Significance. This variant has not been reported in the literature in individuals with PTCH1-related conditions. This variant is not present in population databases (ExAC no frequency). This sequence change replaces aspartic acid with asparagine at codon 909 of the PTCH1 protein (p.Asp909Asn). The aspartic acid residue is moderately conserved and there is a small physicochemical difference between aspartic acid and asparagine.